The following is an entry in ClinVar:

NM_014915.3(ANKRD26):c.2693C>T (p.Ser898Phe)

Gene: ANKRD26 (ankyrin repeat domain 26; minus strand). Cytogenetic location: 10p12.1.
Variant type: single nucleotide variant.
Coding change: c.2693C>T on transcript NM_014915.3 (MANE Select); coding-DNA position 2693, C replaced by T.
Protein change: p.Ser898Phe; replaces serine 898 with phenylalanine.
Molecular consequence: missense variant.
Genome position (GRCh38, 1-based): chr10:27,037,190, G>A on the plus strand (C>T on the coding strand, the complement: ANKRD26 is on the minus strand). VCF-style: chr10-27037190-G-A. GRCh37 (hg19) VCF-style: chr10-27326119-G-A.
Other names: c.2690C>T, p.Ser897Phe (NM_001256053.2); short protein forms S898F, S897F.
Identifiers: ClinVar variation 4729530 (VCV004729530.2).

ClinVar aggregate classification (germline): Uncertain significance. Review status: criteria provided, multiple submitters, no conflicts (2 of 4 stars). 2 submissions from 2 submitters: Uncertain significance (2). Last evaluated 2025-12-22.

Conditions:
Inborn genetic diseases. Identifiers: MedGen C0950123, MeSH D030342.

Submissions (2):

Ambry Genetics
Classification: Uncertain significance for Inborn genetic diseases. Last evaluated: 2025-12-22. Review status: criteria provided, single submitter. Criteria: Ambry Variant Classification Scheme 2023. Collection method: clinical testing. Allele origin: germline.
Comment: The p.S898F variant (also known as c.2693C>T), located in coding exon 23 of the ANKRD26 gene, results from a C to T substitution at nucleotide position 2693. The serine at codon 898 is replaced by phenylalanine, an amino acid with highly dissimilar properties. This amino acid position is conserved. In addition, this alteration is predicted to be tolerated by in silico analysis. Based on the available evidence, the clinical significance of this variant remains unclear.

Labcorp Genetics (formerly Invitae), Labcorp
Classification: Uncertain significance. Last evaluated: 2025-10-19. Review status: criteria provided, single submitter. Criteria: Invitae Variant Classification Sherloc (09022015). Collection method: clinical testing. Allele origin: germline.
Comment: This sequence change replaces serine, which is neutral and polar, with phenylalanine, which is neutral and non-polar, at codon 898 of the ANKRD26 protein (p.Ser898Phe). This variant is not present in population databases (gnomAD no frequency). This variant has not been reported in the literature in individuals affected with ANKRD26-related conditions. An algorithm developed to predict the effect of missense changes on protein structure and function (PolyPhen-2) suggests that this variant is likely to be disruptive. In summary, the available evidence is currently insufficient to determine the role of this variant in disease. Therefore, it has been classified as a Variant of Uncertain Significance.